The following is an entry in ClinVar:

NM_002519.3(NPAT):c.3436_3441del (p.Ser1146_Glu1147del)

Gene: NPAT (nuclear protein, coactivator of histone transcription; minus strand). Cytogenetic location: 11q22.3.
Variant type: Deletion.
Coding change: c.3436_3441del on transcript NM_002519.3 (MANE Select); coding-DNA positions 3436 to 3441, 6 bases deleted (TCAGAA; older notation c.3436_3441delTCAGAA).
Protein change: p.Ser1146_Glu1147del.
Molecular consequence: inframe deletion.
Genome position (GRCh38, 1-based): chr11:108,161,645-108,161,650, TTCTGA deleted on the plus strand (TCAGAA on the coding strand, the reverse complement: NPAT is on the minus strand); deleting any 6 consecutive bases within chr11:108,161,645-108,161,652 gives the same sequence; the c. name uses the placement nearest the transcript's 3' end. VCF-style (leftmost placement, unchanged base first): chr11-108161644-TTTCTGA-T. GRCh37 (hg19) VCF-style: chr11-108032371-TTTCTGA-T.
Other names: c.3457_3462del, p.Ser1153_Glu1154del (NM_001321307.1).
Identifiers: ClinVar variation 4724131 (VCV004724131.1).

ClinVar aggregate classification (germline): Uncertain significance (1 of 4 stars; one submission).

Submission:

Labcorp Genetics (formerly Invitae), Labcorp
Classification: Uncertain significance. Last evaluated: 2025-07-27. Review status: criteria provided, single submitter. Criteria: Invitae Variant Classification Sherloc (09022015). Collection method: clinical testing. Allele origin: germline.
Comment: This variant, c.3436_3441del, results in the deletion of 2 amino acid(s) of the NPAT protein (p.Ser1146_Glu1147del), but otherwise preserves the integrity of the reading frame. This variant is not present in population databases (gnomAD no frequency). This variant has not been reported in the literature in individuals affected with NPAT-related conditions. Experimental studies and prediction algorithms are not available or were not evaluated, and the functional significance of this variant is currently unknown. In summary, the available evidence is currently insufficient to determine the role of this variant in disease. Therefore, it has been classified as a Variant of Uncertain Significance.